The following is an entry in ClinVar:

ClinVar aggregate classification (germline): Pathogenic (1 of 4 stars; one submission).

Conditions:
Peroxisome biogenesis disorder 3A (Zellweger). Also called: PEROXISOMAL BIOGENESIS DISORDER 3A (ZELLWEGER); Peroxisome biogenesis disorder 3A. Identifiers: Orphanet 912, MedGen C3553929, MONDO:0013927, OMIM 614859.

Submission:

Labcorp Genetics (formerly Invitae), Labcorp
Classification: Pathogenic for Peroxisome biogenesis disorder 3A (Zellweger). Last evaluated: 2023-03-03. Review status: criteria provided, single submitter. Criteria: Invitae Variant Classification Sherloc (09022015). Collection method: clinical testing. Allele origin: germline.
Comment: For these reasons, this variant has been classified as Pathogenic. This variant disrupts a region of the PEX12 protein in which other variant(s) (p.Gln349del) have been determined to be pathogenic (PMID: 15542397, 21031596; Invitae). This suggests that this is a clinically significant region of the protein, and that variants that disrupt it are likely to be disease-causing. This variant has not been reported in the literature in individuals affected with PEX12-related conditions. This variant is not present in population databases (gnomAD no frequency). This sequence change creates a premature translational stop signal (p.Thr277Profs*11) in the PEX12 gene. While this is not anticipated to result in nonsense mediated decay, it is expected to disrupt the last 83 amino acid(s) of the PEX12 protein.

Literature cited by the submitters: PubMed 15542397; PubMed 21031596.

NM_000286.3(PEX12):c.829_832del (p.Thr277fs)

Gene: PEX12 (peroxisomal biogenesis factor 12; minus strand). Cytogenetic location: 17q12.
Variant type: Deletion.
Coding change: c.829_832del on transcript NM_000286.3 (MANE Select); coding-DNA positions 829 to 832, 4 bases deleted (ACTG; older notation c.829_832delACTG).
Protein change: p.Thr277fs; shifts the reading frame from threonine 277.
Molecular consequence: frameshift variant.
Genome position (GRCh38, 1-based): chr17:35,576,030-35,576,033, CAGT deleted on the plus strand (ACTG on the coding strand, the reverse complement: PEX12 is on the minus strand); deleting any 4 consecutive bases within chr17:35,576,030-35,576,035 gives the same sequence; the c. name uses the placement nearest the transcript's 3' end. VCF-style (leftmost placement, unchanged base first): chr17-35576029-GCAGT-G. GRCh37 (hg19) VCF-style: chr17-33903048-GCAGT-G.
Other names: short protein forms T277fs.
Identifiers: ClinVar variation 2840225 (VCV002840225.3), dbSNP rs2509168063, ClinGen allele CA2739267444.
Genomic context (GRCh38, chr17:35,576,029, plus strand): 5'-GGTAAGAGGGGAGAATCAGAGTTATAGTCTAGGTGTACAGGTGGTGGTGGAGTAGGCAGG[GCAGT>G]CAATGACTTGATGGTTTCTTGATTTTCAGATGAGTACCACCAGTCAAGGAACTGCAAGAA-3'